The following is an entry in ClinVar:

NM_000987.5(RPL26):c.416C>T (p.Thr139Ile)

Gene: RPL26 (ribosomal protein L26; minus strand). Cytogenetic location: 17p13.1.
Variant type: single nucleotide variant.
Coding change: c.416C>T on transcript NM_000987.5 (MANE Select); coding-DNA position 416, C replaced by T.
Protein change: p.Thr139Ile; replaces threonine 139 with isoleucine.
Molecular consequence: missense variant.
Genome position (GRCh38, 1-based): chr17:8,377,586, G>A on the plus strand (C>T on the coding strand, the complement: RPL26 is on the minus strand). VCF-style: chr17-8377586-G-A. GRCh37 (hg19) VCF-style: chr17-8280904-G-A.
Other names: c.416C>T, p.Thr139Ile (NM_001315530.2, NM_001315531.2); short protein forms T139I.
Identifiers: ClinVar variation 2974888 (VCV002974888.3), dbSNP rs2544002761, ClinGen allele CA398012217.

ClinVar aggregate classification (germline): Uncertain significance (1 of 4 stars; one submission).

Conditions:
Diamond-Blackfan anemia. Also called: Blackfan Diamond syndrome; Aregenerative anemia chronic congenital; Red cell aplasia, pure hereditary; Congenital hypoplastic anemia; Aase syndrome. Identifiers: Orphanet 124, MedGen C1260899, MeSH D029503, MONDO:0015253, HP:0004810.

gnomAD v4.1: 1 of 1,598,910 alleles (0.000063%); no homozygotes.

Submission:

Labcorp Genetics (formerly Invitae), Labcorp
Classification: Uncertain significance for Diamond-Blackfan anemia. Last evaluated: 2023-03-14. Review status: criteria provided, single submitter. Criteria: Invitae Variant Classification Sherloc (09022015). Collection method: clinical testing. Allele origin: germline.
Comment: This variant has not been reported in the literature in individuals affected with RPL26-related conditions. This variant is not present in population databases (gnomAD no frequency). This sequence change replaces threonine, which is neutral and polar, with isoleucine, which is neutral and non-polar, at codon 139 of the RPL26 protein (p.Thr139Ile). An algorithm developed to predict the effect of missense changes on protein structure and function (PolyPhen-2) suggests that this variant is likely to be tolerated. In summary, the available evidence is currently insufficient to determine the role of this variant in disease. Therefore, it has been classified as a Variant of Uncertain Significance.